The following is an entry in ClinVar:

ClinVar aggregate classification (germline): Likely benign. Review status: criteria provided, multiple submitters, no conflicts (2 of 4 stars). 2 submissions from 2 submitters: Likely benign (2). Last evaluated 2023-05-16.

Conditions:
Eichsfeld type congenital muscular dystrophy (CMYO3). Also called: Rigid spine muscular dystrophy 1; MYOPATHY, SEPN1-RELATED; SELENON-related myopathy; Congenital myopathy 3 with rigid spine. Identifiers: MedGen C0410180, MONDO:0100100, OMIM 602771.

Allele frequency attached by ClinVar (database versions not stated): ExAC 0.00001; gnomAD exomes 0.00001; TOPMed 0.00002.
gnomAD v4.1: 3 of 1,613,912 alleles (0.00019%); highest among the groups gnomAD compares: Non-Finnish European, 0.00025%; no homozygotes.

Submissions (2):

Labcorp Genetics (formerly Invitae), Labcorp
Classification: Likely benign for Eichsfeld type congenital muscular dystrophy. Last evaluated: 2023-05-16. Review status: criteria provided, single submitter. Criteria: Invitae Variant Classification Sherloc (09022015). Collection method: clinical testing. Allele origin: germline.

GeneDx
Classification: Likely benign. Last evaluated: 2018-01-30. Review status: criteria provided, single submitter. Criteria: GeneDx Variant Classification (06012015). Collection method: clinical testing. Allele origin: germline. Affected: yes.
Comment: This variant is considered likely benign or benign based on one or more of the following criteria: it is a conservative change, it occurs at a poorly conserved position in the protein, it is predicted to be benign by multiple in silico algorithms, and/or has population frequency not consistent with disease.

NM_206926.2(SELENON):c.435+16C>T

Gene: SELENON (selenoprotein N; plus strand). Cytogenetic location: 1p36.11.
Variant type: single nucleotide variant.
Coding change: c.435+16C>T on transcript NM_206926.2 (MANE Select); 16 bases into the intron after coding-DNA position 435, C replaced by T.
Molecular consequence: intron variant.
Genome position (GRCh38, 1-based): chr1:25,805,291, C>T. VCF-style: chr1-25805291-C-T. GRCh37 (hg19) VCF-style: chr1-26131782-C-T.
Other names: c.537+16C>T (NM_020451.3).
Identifiers: ClinVar variation 514972 (VCV000514972.4), dbSNP rs774621017, ClinGen allele CA696526.